The following is an entry in ClinVar:

NM_003502.4(AXIN1):c.1983C>T (p.Pro661=)

Gene: AXIN1 (axin 1; minus strand). Cytogenetic location: 16p13.3.
Variant type: single nucleotide variant.
Coding change: c.1983C>T on transcript NM_003502.4 (MANE Select); coding-DNA position 1983, C replaced by T.
Protein change: p.Pro661=; no amino-acid change (proline 661 retained).
Molecular consequence: synonymous variant. On other transcripts: non-coding transcript variant (1).
Genome position (GRCh38, 1-based): chr16:293,691, G>A on the plus strand (C>T on the coding strand, the complement: AXIN1 is on the minus strand). VCF-style: chr16-293691-G-A. GRCh37 (hg19) VCF-style: chr16-343691-G-A.
Other names: c.1983C>T, p.Pro661= (NM_181050.3).
Identifiers: ClinVar variation 780011 (VCV000780011.7), dbSNP rs79781539, ClinGen allele CA7773987.

ClinVar aggregate classification (germline): Benign. Review status: criteria provided, multiple submitters, no conflicts (2 of 4 stars). 3 submissions from 3 submitters: Benign (2). 1 of the submissions does not count toward it. Last evaluated 2019-12-31.

Conditions:
AXIN1-related disorder. Also called: AXIN1-related condition.

Allele frequency attached by ClinVar (database versions not stated): gnomAD exomes 0.00213 and 0.00539; 1000 Genomes Project 30x 0.02171; 1000 Genomes Project 0.01997; TOPMed 0.02339; ExAC 0.00647; gnomAD 0.02291 and 0.02100; ESP Exome Variant Server 0.02222.
gnomAD v4.1: 6,434 of 1,613,670 alleles (0.4%); highest among the groups gnomAD compares: African/African-American, 7.6%; 212 homozygotes.

Submissions (3):

Labcorp Genetics (formerly Invitae), Labcorp
Classification: Benign. Last evaluated: 2019-12-31. Review status: criteria provided, single submitter. Criteria: Invitae Variant Classification Sherloc (09022015). Collection method: clinical testing. Allele origin: germline.

Breakthrough Genomics
Classification: Benign. Review status: criteria provided, single submitter. Criteria: ACMG Guidelines, 2015. Collection method: not provided. Allele origin: germline. Inheritance: Other. Affected: yes.

PreventionGenetics, part of Exact Sciences
Classification: Benign for AXIN1-related condition. Last evaluated: 2019-11-14. Review status: no assertion criteria provided. Collection method: clinical testing. Allele origin: germline. Not counted in ClinVar's aggregate classification.
Comment: This variant is classified as benign based on ACMG/AMP sequence variant interpretation guidelines (Richards et al. 2015 PMID: 25741868, with internal and published modifications).